The following is an entry in ClinVar:

ClinVar aggregate classification (germline): Conflicting classifications of pathogenicity. Review status: criteria provided, conflicting classifications (1 of 4 stars). 2 submissions from 2 submitters: Uncertain significance (1); Likely benign (1). Last evaluated 2025-08-09.

Allele frequency attached by ClinVar (database versions not stated): TOPMed below 0.00001; ExAC 0.00001; gnomAD 0.00001; gnomAD exomes 0.00001; 1000 Genomes Project 30x 0.00016; 1000 Genomes Project 0.00020.
gnomAD v4.1: 18 of 1,608,528 alleles (0.0011%); highest among the groups gnomAD compares: Non-Finnish European, 0.0014%; no homozygotes.

Submissions (2):

Ambry Genetics
Classification: Likely benign. Last evaluated: 2025-08-09. Review status: criteria provided, single submitter. Criteria: Ambry Variant Classification Scheme 2023. Collection method: clinical testing. Allele origin: germline.

Labcorp Genetics (formerly Invitae), Labcorp
Classification: Uncertain significance. Last evaluated: 2024-10-15. Review status: criteria provided, single submitter. Criteria: Invitae Variant Classification Sherloc (09022015). Collection method: clinical testing. Allele origin: germline.
Comment: This sequence change replaces valine, which is neutral and non-polar, with methionine, which is neutral and non-polar, at codon 68 of the IFT43 protein (p.Val68Met). This variant is present in population databases (rs557807920, gnomAD 0.002%). This variant has not been reported in the literature in individuals affected with IFT43-related conditions. An algorithm developed to predict the effect of missense changes on protein structure and function outputs the following: PolyPhen-2: "Benign". The methionine amino acid residue is found in multiple mammalian species, which suggests that this missense change does not adversely affect protein function. In summary, the available evidence is currently insufficient to determine the role of this variant in disease. Therefore, it has been classified as a Variant of Uncertain Significance.

NM_001102564.3(IFT43):c.202G>A (p.Val68Met)

Gene: IFT43 (intraflagellar transport 43; plus strand). Cytogenetic location: 14q24.3.
Variant type: single nucleotide variant.
Coding change: c.202G>A on transcript NM_001102564.3 (MANE Select); coding-DNA position 202, G replaced by A.
Protein change: p.Val68Met; replaces valine 68 with methionine.
Molecular consequence: missense variant. On other transcripts: non-coding transcript variant (2).
Genome position (GRCh38, 1-based): chr14:76,022,381, G>A. VCF-style: chr14-76022381-G-A. GRCh37 (hg19) VCF-style: chr14-76488724-G-A.
Other names: c.202G>A, p.Val68Met (NM_001255995.3, NM_052873.3); c.202G>A (NM_052873.2); short protein forms V68M.
Identifiers: ClinVar variation 2876916 (VCV002876916.3), dbSNP rs557807920, ClinGen allele CA7280691.
Genomic context (GRCh38, chr14:76,022,381, plus strand): 5'-TTGTAGACTTCCTCTGCTAAATTACCTCGCTGCCGACAGGGAGGCTGGGCAGGTGATTCC[G>A]TGAAGGCTTCGAAGTGAGTACCAGCAGCTCATAAGAGTATGGGTGGGGGTGCACACGGTT-3'
Protein context (NP_001096034.1, residues 58-78): CRQGGWAGDS[Val68Met]KASKFRRKAS